The following is an entry in ClinVar:

ClinVar aggregate classification (germline): Conflicting classifications of pathogenicity. Review status: criteria provided, conflicting classifications (1 of 4 stars). 14 submissions from 14 submitters: Uncertain significance (8); Likely benign (2). 4 of the submissions do not count toward it. Last evaluated 2025-09-16.

Conditions:
Hereditary breast ovarian cancer syndrome. Also called: Breast and ovarian cancer; Hereditary breast and ovarian cancer; Hereditary breast and ovarian cancer syndrome; BRCA1- and BRCA2-Associated Hereditary Breast and Ovarian Cancer; Hereditary breast and ovarian cancer syndrome (HBOC); Hereditary breast and/or ovarian cancer syndrome. Identifiers: Orphanet 145, MedGen C0677776, MeSH D061325, MONDO:0003582. Disease mechanism: loss of function.
Malignant tumor of breast. Also called: Malignant breast neoplasm; Cancer breast. Identifiers: MedGen C0006142, MONDO:0007254. Disease mechanism: loss of function.
BRCA2-related cancer predisposition. Identifiers: MedGen CN377758, MONDO:0700269.
Hereditary cancer-predisposing syndrome. Also called: Tumor predisposition; Hereditary Cancer Syndrome; Neoplastic Syndromes, Hereditary; Hereditary neoplastic syndrome. Identifiers: Orphanet 140162, MedGen C0027672, MeSH D009386, MONDO:0015356.
Breast-ovarian cancer, familial, susceptibility to, 2 (BROVCA2). Also called: BRCA2 Hereditary Breast and Ovarian Cancer. Identifiers: Orphanet 145, MedGen C2675520, MONDO:0012933, OMIM 612555. Disease mechanism: loss of function.

Allele frequency attached by ClinVar (database versions not stated): gnomAD exomes below 0.00001; TOPMed 0.00001.
gnomAD v4.1: 5 of 1,614,164 alleles (0.00031%); highest among the groups gnomAD compares: Middle Eastern, 0.033%; no homozygotes.

Submissions (14):

Labcorp Genetics (formerly Invitae), Labcorp
Classification: Uncertain significance for Hereditary breast ovarian cancer syndrome. Last evaluated: 2025-09-16. Review status: criteria provided, single submitter. Criteria: Invitae Variant Classification Sherloc (09022015). Collection method: clinical testing. Allele origin: germline.
Comment: This sequence change replaces aspartic acid, which is acidic and polar, with valine, which is neutral and non-polar, at codon 2900 of the BRCA2 protein (p.Asp2900Val). This variant is present in population databases (rs398122712, gnomAD no frequency). This missense change has been observed in individual(s) with breast cancer, colorectal cancer, and/or short telomeres (PMID: 28135145, 30995915, 33558524). ClinVar contains an entry for this variant (Variation ID: 91733). Invitae Evidence Modeling of protein sequence and biophysical properties (such as structural, functional, and spatial information, amino acid conservation, physicochemical variation, residue mobility, and thermodynamic stability) indicates that this missense variant is not expected to disrupt BRCA2 protein function with a negative predictive value of 95%. Experimental studies have shown that this missense change does not substantially affect BRCA2 function (PMID: 32444794). In summary, the available evidence is currently insufficient to determine the role of this variant in disease. Therefore, it has been classified as a Variant of Uncertain Significance.

Center for Genomic Medicine, Rigshospitalet, Copenhagen University Hospital
Classification: Uncertain significance. Last evaluated: 2025-03-04. Review status: criteria provided, single submitter. Criteria: ACMG Guidelines, 2015. Collection method: clinical testing. Allele origin: germline.

Color Diagnostics, LLC DBA Color Health
Classification: Likely benign for Hereditary cancer-predisposing syndrome. Last evaluated: 2025-01-28. Review status: criteria provided, single submitter. Criteria: ACMG Guidelines, 2015. Collection method: clinical testing. Allele origin: germline.

Quest Diagnostics Nichols Institute San Juan Capistrano
Classification: Uncertain significance. Last evaluated: 2024-12-18. Review status: criteria provided, single submitter. Criteria: Quest Diagnostics criteria. Collection method: clinical testing. Allele origin: unknown.
Comment: The BRCA2 c.8699A>T (p.Asp2900Val) variant has been reported in the published literature in individuals with breast cancer (PMID: 33558524 (2021), 33471991 (2021) see also LOVD) and colorectal cancer (PMID: 28135145 (2017)). An experimental study reports this variant does not impact sensitivity to PARP inhibitors (PMID: 32444794 (2020)), however, further evidence is needed to assess the global impact of this variant on BRCA2 function. The frequency of this variant in the general population (Genome Aggregation Database) is uninformative in the assessment of its pathogenicity. Analysis of this variant using bioinformatics tools for the prediction of the effect of amino acid changes on protein structure and function yielded predictions that this variant is damaging. Based on the available information, we are unable to determine the clinical significance of this variant.

All of Us Research Program, National Institutes of Health
Classification: Uncertain significance for BRCA2-related cancer predisposition. Last evaluated: 2024-06-11. Review status: criteria provided, single submitter. Criteria: ACMG Guidelines, 2015. Collection method: clinical testing. Allele origin: germline. Inheritance: Autosomal dominant inheritance. Observed: 3 variant alleles, 3 heterozygotes.
Comment: This missense variant replaces aspartic acid with valine at codon 2900 of the BRCA2 protein. Computational prediction is inconclusive regarding the impact of this variant on protein structure and function (internally defined REVEL score threshold 0.5 < inconclusive < 0.7, PMID: 27666373). A functional study has shown this variant does not impact sensitivity to PARP inhibitors (PMID: 32444794). This variant has been reported in individuals affected with breast cancer (PMID: 33471991, 33558524) and colorectal cancer (PMID: 28135145). This variant has been identified in 1/251328 chromosomes in the general population by the Genome Aggregation Database (gnomAD). The available evidence is insufficient to determine the role of this variant in disease conclusively. Therefore, this variant is classified as a Variant of Uncertain Significance.

This study involves interpretation of variants in research participants for the purpose of population health screening. Participant phenotype was not available at the time of variant classification. Additional details can be found in publication PMID: 35346344, PMCID: PMC8962531

Molecular Pathology, Peter Maccallum Cancer Centre
Classification: Uncertain significance for Breast-ovarian cancer, familial, susceptibility to, 2. Last evaluated: 2024-03-04. Review status: criteria provided, single submitter. Criteria: ACMG Guidelines, 2015. Collection method: clinical testing. Allele origin: germline. Inheritance: Autosomal dominant inheritance.

KCCC/NGS Laboratory, Kuwait Cancer Control Center
Classification: Uncertain significance for Breast-ovarian cancer, familial, susceptibility to, 2. Last evaluated: 2023-06-06. Review status: criteria provided, single submitter. Criteria: ACMG Guidelines, 2015. Collection method: clinical testing. Allele origin: germline. Affected: yes.
Comment: a point mutation in the BRCA2 gene (c.8699A>T) which results in the substitution of Valine for Aspartate at amino acid position 2900. This mutation is considered as a variant of uncertain significance.

Ambry Genetics
Classification: Likely benign for Hereditary cancer-predisposing syndrome. Last evaluated: 2022-01-11. Review status: criteria provided, single submitter. Criteria: Ambry Variant Classification Scheme 2023. Collection method: clinical testing. Allele origin: germline.

Women's Health and Genetics/Laboratory Corporation of America, LabCorp
Classification: Uncertain significance. Last evaluated: 2021-09-19. Review status: criteria provided, single submitter. Criteria: LabCorp Variant Classification Summary - May 2015. Collection method: clinical testing. Allele origin: germline.
Comment: Variant summary: BRCA2 c.8699A>T (p.Asp2900Val) results in a non-conservative amino acid change in the encoded protein sequence. Five of five in-silico tools predict a damaging effect of the variant on protein function. The variant allele was found at a frequency of 4e-06 in 251328 control chromosomes. The available data on variant occurrences in the general population are insufficient to allow any conclusion about variant significance. c.8699A>T has been reported in the literature as a VUS in settings of multigene panel testing among individuals with a family history or personal history of colorectal/breast cancer (example, Yurgelun_2017, Moradian_2021). These report(s) do not provide unequivocal conclusions about association of the variant with Hereditary Breast And Ovarian Cancer Syndrome. To our knowledge, no experimental evidence demonstrating an impact on protein function has been reported. Six clinical diagnostic laboratories have submitted clinical-significance assessments for this variant to ClinVar after 2014 without evidence for independent evaluation. All laboratories classified the variant as uncertain significance. Based on the evidence outlined above, the variant was classified as uncertain significance.

ARUP Laboratories, Molecular Genetics and Genomics, ARUP Laboratories
Classification: Uncertain significance. Last evaluated: 2019-01-11. Review status: criteria provided, single submitter. Criteria: ARUP Molecular Germline Variant Investigation Process. Collection method: clinical testing. Allele origin: germline.
Comment: The BRCA2 c.8699A>T; p.Asp2900Val variant (rs398122712), also reported as 8927A>T, has been described in an individual with colorectal cancer, but its association with disease was determined to be uncertain (Yurgelun 2017). It is reported as a variant of uncertain clinical significance in ClinVar (Variation ID: 91733), and is observed on only one allele in the Genome Aggregation Database, indicating it is not a common polymorphism. The aspartic acid at codon 2900 is highly conserved, and computational algorithms (PolyPhen-2, SIFT) predict that this variant is deleterious. However, due to limited or absent clinical and functional data regarding this variant, its clinical significance cannot be determined with certainty. REFERENCES Yurgelun M et al. Cancer Susceptibility Gene Mutations in Individuals With Colorectal Cancer. J Clin Oncol. 2017 Apr 1;35(10):1086-1095.

Center of Medical Genetics and Primary Health Care
Classification: Uncertain significance for Breast Cancer. Last evaluated: 2020-04-08. Review status: no assertion criteria provided. Collection method: research. Allele origin: germline. Affected: yes. Observed: 1 heterozygote. Not counted in ClinVar's aggregate classification.
Comment: ACMG Guidelines 2015 criteria PM1 Pathogenic Moderate: 2 functional domains - a nucleic acid-binding OB-fold (R2669-3184L aa), which functions as ssDNA binding and nucleic acid recognition site; and the Tower domain (M2831-2967T aa) with a major role in tumor suppression and DNA binding. Hot-spot has 27 non-VUS coding variants (17 pathogenic and 10 benign), pathogenicity = 63.0%, proximity score 7.148 > threshold 2.472. PM2 Pathogenic Moderate: GnomAD exomes allele frequency = 0.00000398 < 0.0001 threshold for recessive gene BRCA2. Variant not found in GnomAD genomes. PP3 Pathogenic Supporting: 7 pathogenic predictions from DANN, EIGEN, FATHMM-MKL, M-CAP, MVP, MutationTaster and SIFT vs 2 benign predictions from PrimateAI and REVEL. Therefore, it has been classified as a Variant of Uncertain Significance.

BRCAlab, Lund University
Classification: Uncertain significance for Breast-ovarian cancer, familial, susceptibility to, 2. Last evaluated: 2020-03-02. Review status: no assertion criteria provided. Collection method: clinical testing. Allele origin: germline. Affected: yes. Not counted in ClinVar's aggregate classification.

Counsyl
Classification: Uncertain significance for Breast-ovarian cancer, familial, susceptibility to, 2. Last evaluated: 2016-02-25. Review status: no assertion criteria provided. Collection method: clinical testing. Allele origin: unknown. Not counted in ClinVar's aggregate classification.

Sharing Clinical Reports Project (SCRP)
Classification: Uncertain significance for Breast-ovarian cancer, familial 2. Last evaluated: 2012-10-23. Review status: no assertion criteria provided. Collection method: clinical testing. Allele origin: germline. Not counted in ClinVar's aggregate classification.

Literature cited by the submitters: PubMed 28135145 (cited by 5 submitters); PubMed 30995915 (cited by Labcorp Genetics (formerly Invitae), Labcorp and Quest Diagnostics Nichols Institute San Juan Capistrano); PubMed 33558524 (cited by 5 submitters); PubMed 32444794 (cited by 4 submitters); PubMed 33471991 (cited by 3 submitters).

NM_000059.4(BRCA2):c.8699A>T (p.Asp2900Val)

Gene: BRCA2 (BRCA2 DNA repair associated; plus strand). Cytogenetic location: 13q13.1.
Variant type: single nucleotide variant.
Coding change: c.8699A>T on transcript NM_000059.4 (MANE Select); coding-DNA position 8699, A replaced by T.
Protein change: p.Asp2900Val; replaces aspartic acid 2900 with valine.
Molecular consequence: missense variant.
Genome position (GRCh38, 1-based): chr13:32,376,736, A>T. VCF-style: chr13-32376736-A-T. GRCh37 (hg19) VCF-style: chr13-32950873-A-T.
Other names: 8927A>T; short protein forms D2900V.
Identifiers: ClinVar variation 91733 (VCV000091733.39), dbSNP rs398122712, ClinGen allele CA025785.